The following is an entry in ClinVar:

NM_001267550.2(TTN):c.54605G>A (p.Trp18202Ter)

Genes: TTN (titin; minus strand), TTN-AS1 (TTN antisense RNA 1; plus strand). Cytogenetic location: 2q31.2.
Variant type: single nucleotide variant.
Coding change: c.54605G>A on transcript NM_001267550.2 (MANE Select); coding-DNA position 54605, G replaced by A.
Protein change: p.Trp18202Ter; replaces tryptophan 18202 with a stop codon.
Molecular consequence: nonsense.
Genome position (GRCh38, 1-based): chr2:178,604,082, C>T on the plus strand (G>A on the coding strand, the complement: TTN is on the minus strand). VCF-style: chr2-178604082-C-T. GRCh37 (hg19) VCF-style: chr2-179468809-C-T.
Other names: c.49682G>A, p.Trp16561Ter (NM_001256850.1); c.27410G>A, p.Trp9137Ter (NM_003319.4); c.46901G>A, p.Trp15634Ter (NM_133378.4); c.27785G>A, p.Trp9262Ter (NM_133432.3); c.27986G>A, p.Trp9329Ter (NM_133437.4); short protein forms W15634*, W16561*, W9329*, W9137*, W18202*, W9262*.
Identifiers: ClinVar variation 1498812 (VCV001498812.9), dbSNP rs2154194712, ClinGen allele CA349550920.

ClinVar aggregate classification (germline): Likely pathogenic. Review status: criteria provided, multiple submitters, no conflicts (2 of 4 stars). 2 submissions from 2 submitters: Likely pathogenic (2). Last evaluated 2025-02-19.

Conditions:
Dilated cardiomyopathy 1G (CMD1G). Identifiers: Orphanet 154, MedGen C1858763, MONDO:0011400, OMIM 604145.
Autosomal recessive limb-girdle muscular dystrophy type 2J (LGMDR10). Also called: MUSCULAR DYSTROPHY, LIMB-GIRDLE, AUTOSOMAL RECESSIVE 10; Limb-girdle muscular dystrophy, type 2J. Identifiers: Orphanet 140922, MedGen C1837342, MONDO:0012127, OMIM 608807.
TTN-related disorder. Also called: TTN-related condition; TTN-related disease; TTN-related disorders.

Submissions (2):

Labcorp Genetics (formerly Invitae), Labcorp
Classification: Likely pathogenic for Dilated cardiomyopathy 1G; Autosomal recessive limb-girdle muscular dystrophy type 2J. Last evaluated: 2025-02-19. Review status: criteria provided, single submitter. Criteria: Invitae Variant Classification Sherloc (09022015). Collection method: clinical testing. Allele origin: germline.
Comment: This sequence change creates a premature translational stop signal (p.Trp18202*) in the TTN gene. While this is not anticipated to result in nonsense mediated decay, it is expected to create a truncated TTN protein. This variant is not present in population databases (gnomAD no frequency). This variant has not been reported in the literature in individuals affected with TTN-related conditions. ClinVar contains an entry for this variant (Variation ID: 1498812). This variant is located in the A band of TTN (PMID: 25589632). Truncating variants in this region are significantly overrepresented in patients affected with dilated cardiomyopathy (PMID: 25589632). Truncating variants in this region have also been reported in individuals affected with autosomal recessive centronuclear myopathy (PMID: 23975875). In summary, the currently available evidence indicates that the variant is pathogenic, but additional data are needed to prove that conclusively. Therefore, this variant has been classified as Likely Pathogenic.

Blueprint Genetics
Classification: Likely pathogenic for TTN-related disorders. Last evaluated: 2024-11-25. Review status: criteria provided, single submitter. Criteria: ACMG Guidelines, 2015. Collection method: clinical testing. Allele origin: germline. Affected: yes. Observed: 1 variant allele.

Literature cited by the submitters: PubMed 25589632 (cited by Labcorp Genetics (formerly Invitae), Labcorp); PubMed 23975875 (cited by Labcorp Genetics (formerly Invitae), Labcorp).